The following is an entry in ClinVar:

NC_000010.10:g.(?_13154433)_(13161060_?)del

Gene: OPTN (optineurin; plus strand). Cytogenetic location: 10p13.
Variant type: Deletion.
Identifiers: ClinVar variation 2426700 (VCV002426700.3).

ClinVar aggregate classification (germline): Pathogenic (1 of 4 stars; one submission).

Conditions:
Glaucoma 1, open angle, E. Identifiers: MedGen C1842026, MONDO:0007665.
Primary open angle glaucoma (POAG). Also called: OPTN-related open angle glaucoma. Identifiers: MedGen C0339573, MONDO:0100553, OMIM 137760.
Amyotrophic lateral sclerosis type 12 (ALS12). Also called: AMYOTROPHIC LATERAL SCLEROSIS 12 WITH OR WITHOUT FRONTOTEMPORAL DEMENTIA. Identifiers: Orphanet 803, MedGen C3150692, MONDO:0013264, OMIM 613435.

Submission:

Labcorp Genetics (formerly Invitae), Labcorp
Classification: Pathogenic for Primary open angle glaucoma; Glaucoma 1, open angle, E; Amyotrophic lateral sclerosis type 12. Last evaluated: 2022-03-20. Review status: criteria provided, single submitter. Criteria: Invitae Variant Classification Sherloc (09022015). Collection method: clinical testing. Allele origin: germline.
Comment: This variant has not been reported in the literature in individuals affected with OPTN-related conditions. For these reasons, this variant has been classified as Pathogenic. This variant is a gross deletion of the genomic region encompassing exon(s) 4-6 of the OPTN gene. This deletion is out-of-frame, and is expected to create a premature termination codon and result in an absent or disrupted protein product. Loss-of-function variants in OPTN are known to be pathogenic (PMID: 20428114).

Literature cited by the submitters: PubMed 20428114.